The following is an entry in ClinVar:

ClinVar aggregate classification (germline): Uncertain significance. Review status: criteria provided, multiple submitters, no conflicts (2 of 4 stars). 2 submissions from 2 submitters: Uncertain significance (2). Last evaluated 2025-10-26.

Conditions:
Aortic aneurysm, familial thoracic 8 (AAT8). Identifiers: MedGen C3809513, MONDO:0014187, OMIM 615436.
Familial thoracic aortic aneurysm and aortic dissection (TAAD). Also called: Thoracic aortic aneurysms and dissections. Identifiers: Orphanet 91387, MedGen C4707243, MONDO:0019625.

Allele frequency attached by ClinVar (database versions not stated): gnomAD exomes below 0.00001 and 0.00001; ExAC 0.00001.
gnomAD v4.1: 7 of 1,610,256 alleles (0.00043%); highest among the groups gnomAD compares: Non-Finnish European, 0.00059%; no homozygotes.

Submissions (2):

Labcorp Genetics (formerly Invitae), Labcorp
Classification: Uncertain significance for Aortic aneurysm, familial thoracic 8. Last evaluated: 2025-10-26. Review status: criteria provided, single submitter. Criteria: Invitae Variant Classification Sherloc (09022015). Collection method: clinical testing. Allele origin: germline.
Comment: This sequence change replaces alanine, which is neutral and non-polar, with valine, which is neutral and non-polar, at codon 554 of the PRKG1 protein (p.Ala554Val). The frequency data for this variant in the population databases is considered unreliable, as metrics indicate poor data quality at this position in the gnomAD database. This variant has not been reported in the literature in individuals affected with PRKG1-related conditions. ClinVar contains an entry for this variant (Variation ID: 520130). An algorithm developed to predict the effect of missense changes on protein structure and function (PolyPhen-2) suggests that this variant is likely to be tolerated. In summary, the available evidence is currently insufficient to determine the role of this variant in disease. Therefore, it has been classified as a Variant of Uncertain Significance.

Ambry Genetics
Classification: Uncertain significance for Familial thoracic aortic aneurysm and aortic dissection. Last evaluated: 2016-01-09. Review status: criteria provided, single submitter. Criteria: Ambry Variant Classification Scheme 2023. Collection method: clinical testing. Allele origin: germline.
Comment: The p.A554V variant (also known as c.1661C>T), located in coding exon 14 of the PRKG1 gene, results from a C to T substitution at nucleotide position 1661. The alanine at codon 554 is replaced by valine, an amino acid with similar properties. Based on data from ExAC, the T allele was reported in 1 of 120784 (0.0008%) total alleles (Exome Aggregation Consortium (ExAC), Cambridge, MA (URL) [Accessed January 7, 2016]). This variant was not reported in population based cohorts in the following databases: Database of Single Nucleotide Polymorphisms (dbSNP), NHLBI Exome Sequencing Project (ESP), and 1000 Genomes Project. In the ESP, this variant was not observed in 6503 samples (13006 alleles) with coverage at this position. This amino acid position is highly conserved in available vertebrate species. In addition, this alteration is predicted to be possibly damaging and tolerated by PolyPhen and SIFT in silico analyses, respectively. Since supporting evidence is limited at this time, the clinical significance of this variant remains unclear.

NM_006258.4(PRKG1):c.1661C>T (p.Ala554Val)

Gene: PRKG1 (protein kinase cGMP-dependent 1; plus strand). Cytogenetic location: 10q21.1.
Variant type: single nucleotide variant.
Coding change: c.1661C>T on transcript NM_006258.4 (MANE Select); coding-DNA position 1661, C replaced by T.
Protein change: p.Ala554Val; replaces alanine 554 with valine.
Molecular consequence: missense variant.
Genome position (GRCh38, 1-based): chr10:52,282,268, C>T. VCF-style: chr10-52282268-C-T. GRCh37 (hg19) VCF-style: chr10-54042028-C-T.
Other names: c.1661C>T, p.Ala554Val (LRG_1135t1); c.1616C>T, p.Ala539Val (LRG_1135t2, NM_001098512.3); short protein forms A539V, A554V.
Identifiers: ClinVar variation 520130 (VCV000520130.5), dbSNP rs748543896, ClinGen allele CA5503903.